The following is an entry in ClinVar:

NM_000090.4(COL3A1):c.3530C>T (p.Ser1177Phe)

Gene: COL3A1 (collagen type III alpha 1 chain; plus strand). Cytogenetic location: 2q32.2.
Variant type: single nucleotide variant.
Coding change: c.3530C>T on transcript NM_000090.4 (MANE Select); coding-DNA position 3530, C replaced by T.
Protein change: p.Ser1177Phe; replaces serine 1177 with phenylalanine.
Molecular consequence: missense variant.
Genome position (GRCh38, 1-based): chr2:189,008,928, C>T. VCF-style: chr2-189008928-C-T. GRCh37 (hg19) VCF-style: chr2-189873654-C-T.
Other names: c.3530C>T (NM_000090.3); short protein forms S1177F.
Identifiers: ClinVar variation 1678451 (VCV001678451.3), dbSNP rs1688654581, ClinGen allele CA349846585.

ClinVar aggregate classification (germline): Uncertain significance. Review status: criteria provided, multiple submitters, no conflicts (2 of 4 stars). 3 submissions from 3 submitters: Uncertain significance (3). Last evaluated 2025-12-31.

Conditions:
Ehlers-Danlos syndrome, type 4 (EDSVASC). Also called: Ehlers-Danlos syndrome vascular type; Ehlers Danlos syndrome, ecchymotic type; Ehlers Danlos syndrome, arterial type; Ehlers Danlos syndrome, Sack-Barabas type; Ehlers-Danlos Syndrome Type IV. Identifiers: Orphanet 286, MedGen C0268338, MONDO:0017314, OMIM 130050.

Allele frequency attached by ClinVar (database versions not stated): gnomAD exomes below 0.00001; TOPMed below 0.00001.
gnomAD v4.1: 1 of 1,613,776 alleles (0.000062%); highest among the groups gnomAD compares: African/African-American, 0.0013%; no homozygotes.

Submissions (3):

Labcorp Genetics (formerly Invitae), Labcorp
Classification: Uncertain significance for Ehlers-Danlos syndrome, type 4. Last evaluated: 2025-12-31. Review status: criteria provided, single submitter. Criteria: Invitae Variant Classification Sherloc (09022015). Collection method: clinical testing. Allele origin: germline.
Comment: This sequence change replaces serine, which is neutral and polar, with phenylalanine, which is neutral and non-polar, at codon 1177 of the COL3A1 protein (p.Ser1177Phe). This variant is not present in population databases (gnomAD no frequency). This variant has not been reported in the literature in individuals affected with COL3A1-related conditions. ClinVar contains an entry for this variant (Variation ID: 1678451). Invitae Evidence Modeling of protein sequence and biophysical properties (such as structural, functional, and spatial information, amino acid conservation, physicochemical variation, residue mobility, and thermodynamic stability) indicates that this missense variant is not expected to disrupt COL3A1 protein function with a negative predictive value of 95%. In summary, the available evidence is currently insufficient to determine the role of this variant in disease. Therefore, it has been classified as a Variant of Uncertain Significance.

GeneDx
Classification: Uncertain significance. Last evaluated: 2024-01-04. Review status: criteria provided, single submitter. Criteria: GeneDx Variant Classification Process June 2021. Collection method: clinical testing. Allele origin: germline. Affected: yes.
Comment: Not observed at significant frequency in large population cohorts (gnomAD); In silico analysis supports that this missense variant has a deleterious effect on protein structure/function; Has not been previously published as pathogenic or benign to our knowledge; Occurs in the triple helical domain at the X position in the canonical Gly-X-Y repeat; although this variant may have an effect on normal protein folding and function, missense substitution at the X position is not a common mechanism of disease (HGMD); This variant is associated with the following publications: (PMID: Yalntepe2020[CaseReport])

AiLife Diagnostics
Classification: Uncertain significance. Last evaluated: 2021-06-15. Review status: criteria provided, single submitter. Criteria: ACMG Guidelines, 2015. Collection method: clinical testing. Allele origin: germline. Affected: yes. Observed: 1 variant allele.